The following is an entry in ClinVar:

ClinVar aggregate classification (germline): Uncertain significance (1 of 4 stars; one submission).

Allele frequency attached by ClinVar (database versions not stated): TOPMed 0.00001.

Submission:

Labcorp Genetics (formerly Invitae), Labcorp
Classification: Uncertain significance. Last evaluated: 2022-09-19. Review status: criteria provided, single submitter. Criteria: Invitae Variant Classification Sherloc (09022015). Collection method: clinical testing. Allele origin: germline.
Comment: Advanced modeling of protein sequence and biophysical properties (such as structural, functional, and spatial information, amino acid conservation, physicochemical variation, residue mobility, and thermodynamic stability) performed at Invitae indicates that this missense variant is not expected to disrupt C1S protein function. This sequence change replaces threonine, which is neutral and polar, with isoleucine, which is neutral and non-polar, at codon 277 of the C1S protein (p.Thr277Ile). This variant is not present in population databases (gnomAD no frequency). This variant has not been reported in the literature in individuals affected with C1S-related conditions. ClinVar contains an entry for this variant (Variation ID: 1376004). In summary, the available evidence is currently insufficient to determine the role of this variant in disease. Therefore, it has been classified as a Variant of Uncertain Significance.

NM_001734.5(C1S):c.830C>T (p.Thr277Ile)

Gene: C1S (complement C1s; plus strand). Cytogenetic location: 12p13.31.
Variant type: single nucleotide variant.
Coding change: c.830C>T on transcript NM_001734.5 (MANE Select); coding-DNA position 830, C replaced by T.
Protein change: p.Thr277Ile; replaces threonine 277 with isoleucine.
Molecular consequence: missense variant.
Genome position (GRCh38, 1-based): chr12:7,065,929, C>T. VCF-style: chr12-7065929-C-T. GRCh37 (hg19) VCF-style: chr12-7173233-C-T.
Other names: c.329C>T, p.Thr110Ile (NM_001346850.2); c.830C>T, p.Thr277Ile (NM_201442.4); short protein forms T110I, T277I.
Identifiers: ClinVar variation 1376004 (VCV001376004.6), dbSNP rs1947169973, ClinGen allele CA383697702.